The following is an entry in ClinVar:

ClinVar aggregate classification (germline): Pathogenic (1 of 4 stars; one submission).

Conditions:
Fanconi anemia (FA). Also called: Fanconi's anemia. Identifiers: Orphanet 84, MedGen C0015625, MeSH D005199, MONDO:0019391.

Submission:

Labcorp Genetics (formerly Invitae), Labcorp
Classification: Pathogenic for Fanconi anemia. Last evaluated: 2021-08-17. Review status: criteria provided, single submitter. Criteria: Invitae Variant Classification Sherloc (09022015). Collection method: clinical testing. Allele origin: germline.
Comment: This variant has not been reported in the literature in individuals affected with FANCA-related conditions. For these reasons, this variant has been classified as Pathogenic. This variant is not present in population databases (ExAC no frequency). This sequence change creates a premature translational stop signal (p.Tyr531Argfs*11) in the FANCA gene. It is expected to result in an absent or disrupted protein product. Loss-of-function variants in FANCA are known to be pathogenic (PMID: 19367192).

Literature cited by the submitters: PubMed 19367192.

NM_000135.4(FANCA):c.1590_1591del (p.Tyr531fs)

Gene: FANCA (FA complementation group A; minus strand). Cytogenetic location: 16q24.3.
Variant type: Microsatellite.
Coding change: c.1590_1591del on transcript NM_000135.4 (MANE Select); coding-DNA positions 1590 to 1591, 2 bases deleted (CT; older notation c.1590_1591delCT).
Protein change: p.Tyr531fs; shifts the reading frame from tyrosine 531.
Molecular consequence: frameshift variant.
Genome position (GRCh38, 1-based): chr16:89,782,894-89,782,895, AG deleted on the plus strand (CT on the coding strand, the reverse complement: FANCA is on the minus strand); deleting any 2 consecutive bases within chr16:89,782,894-89,782,897 gives the same sequence; the c. name uses the placement nearest the transcript's 3' end. VCF-style (leftmost placement, unchanged base first): chr16-89782893-TAG-T. GRCh37 (hg19) VCF-style: chr16-89849301-TAG-T.
Other names: c.1590_1591del, p.Tyr531fs (NM_001286167.3); short protein forms Y531fs.
Identifiers: ClinVar variation 1451229 (VCV001451229.6), dbSNP rs2143459144, ClinGen allele CA2580613943.
Genomic context (GRCh38, chr16:89,782,893, plus strand): 5'-ACCCTGCAGGGCTCAAGCAACATTACCTCAGTAATGTCCCCAGCTGATGACAAATCCTCG[TAG>T]AGTCCCATGTTTTCTATAGAAACCTTCAGGGAAGACACAGAATGAGAACAAGAAAACAAA-3'